The following is an entry in ClinVar:

NM_004656.4(BAP1):c.1066C>T (p.Arg356Trp)

Gene: BAP1 (BRCA1 associated deubiquitinase 1; minus strand). Cytogenetic location: 3p21.1.
Variant type: single nucleotide variant.
Coding change: c.1066C>T on transcript NM_004656.4 (MANE Select); coding-DNA position 1066, C replaced by T.
Protein change: p.Arg356Trp; replaces arginine 356 with tryptophan.
Molecular consequence: missense variant.
Genome position (GRCh38, 1-based): chr3:52,405,160, G>A on the plus strand (C>T on the coding strand, the complement: BAP1 is on the minus strand). VCF-style: chr3-52405160-G-A. GRCh37 (hg19) VCF-style: chr3-52439176-G-A.
Other names: short protein forms R356W.
Identifiers: ClinVar variation 472658 (VCV000472658.25), dbSNP rs761029538, ClinGen allele CA2436930.

ClinVar aggregate classification (germline): Conflicting classifications of pathogenicity. Review status: criteria provided, conflicting classifications (1 of 4 stars). 8 submissions from 8 submitters: Uncertain significance (7); Benign (1). Last evaluated 2026-03-05.

Conditions:
Hereditary cancer-predisposing syndrome. Also called: Tumor predisposition; Hereditary neoplastic syndrome; Hereditary Cancer Syndrome; Neoplastic Syndromes, Hereditary. Identifiers: Orphanet 140162, MedGen C0027672, MeSH D009386, MONDO:0015356.
Melanoma, uveal, susceptibility to, 2 (UVM2). Also called: Melanoma, uveal 2. Identifiers: Orphanet 39044, MedGen C1847723, MONDO:0011696, OMIM 606661.
Kury-Isidor syndrome (KURIS). Identifiers: MedGen C5676925, MONDO:0859230, OMIM 619762.
BAP1-related tumor predisposition syndrome (TPDS1). Also called: BAP1 tumor predisposition syndrome; COMMON Syndrome; Tumor susceptibility linked to germline BAP1 mutations; TUMOR PREDISPOSITION SYNDROME 1. Identifiers: Orphanet 289539, MedGen C3280492, MONDO:0013692, OMIM 614327.

Allele frequency attached by ClinVar (database versions not stated): gnomAD exomes 0.00001; ExAC 0.00002; gnomAD 0.00003; TOPMed 0.00004.
gnomAD v4.1: 13 of 1,614,022 alleles (0.00081%); highest among the groups gnomAD compares: Middle Eastern, 0.016%; no homozygotes.

Submissions (8):

Ambry Genetics
Classification: Benign for Hereditary cancer-predisposing syndrome. Last evaluated: 2026-03-05. Review status: criteria provided, single submitter. Criteria: Ambry Variant Classification Scheme 2023. Collection method: clinical testing. Allele origin: germline.

Labcorp Genetics (formerly Invitae), Labcorp
Classification: Uncertain significance for BAP1-related tumor predisposition syndrome. Last evaluated: 2026-01-13. Review status: criteria provided, single submitter. Criteria: Invitae Variant Classification Sherloc (09022015). Collection method: clinical testing. Allele origin: germline.
Comment: This sequence change replaces arginine, which is basic and polar, with tryptophan, which is neutral and slightly polar, at codon 356 of the BAP1 protein (p.Arg356Trp). This variant is present in population databases (rs761029538, gnomAD 0.004%). This missense change has been observed in individual(s) with malignant peritoneal mesothelioma (PMID: 28034829). ClinVar contains an entry for this variant (Variation ID: 472658). Invitae Evidence Modeling of protein sequence and biophysical properties (such as structural, functional, and spatial information, amino acid conservation, physicochemical variation, residue mobility, and thermodynamic stability) indicates that this missense variant is not expected to disrupt BAP1 protein function with a negative predictive value of 80%. RNA analysis performed to evaluate the impact of this missense change on mRNA splicing indicates it does not significantly alter splicing (internal data). In summary, the available evidence is currently insufficient to determine the role of this variant in disease. Therefore, it has been classified as a Variant of Uncertain Significance.

GeneDx
Classification: Uncertain significance. Last evaluated: 2024-12-06. Review status: criteria provided, single submitter. Criteria: GeneDx Variant Classification Process June 2021. Collection method: clinical testing. Allele origin: germline. Affected: yes.
Comment: Not observed at significant frequency in large population cohorts (gnomAD); In silico analysis supports that this missense variant has a deleterious effect on protein structure/function; Has not been previously published as pathogenic or benign to our knowledge; This variant is associated with the following publications: (PMID: 28034829)

Blueprint Genetics
Classification: Uncertain significance. Last evaluated: 2024-05-03. Review status: criteria provided, single submitter. Criteria: ACMG Guidelines, 2015. Collection method: clinical testing. Allele origin: germline.

Fulgent Genetics
Classification: Uncertain significance for Melanoma, uveal, susceptibility to, 2; BAP1-related tumor predisposition syndrome; Kury-Isidor syndrome. Last evaluated: 2024-01-02. Review status: criteria provided, single submitter. Criteria: ACMG Guidelines, 2015. Collection method: clinical testing. Allele origin: germline.

Baylor Genetics
Classification: Uncertain significance for BAP1-related tumor predisposition syndrome. Last evaluated: 2023-12-25. Review status: criteria provided, single submitter. Criteria: ACMG Guidelines, 2015. Collection method: clinical testing. Allele origin: unknown.

Color Diagnostics, LLC DBA Color Health
Classification: Uncertain significance for Hereditary cancer-predisposing syndrome. Last evaluated: 2023-07-11. Review status: criteria provided, single submitter. Criteria: ACMG Guidelines, 2015. Collection method: clinical testing. Allele origin: germline.
Comment: This missense variant replaces arginine with tryptophan at codon 356 of the BAP1 protein. Computational prediction suggests that this variant may not impact protein structure and function (internally defined REVEL score threshold <= 0.5, PMID: 27666373). To our knowledge, functional studies have not been reported for this variant. This variant has not been reported in individuals affected with BAP1-related disorders in the literature. This variant has been identified in 5/282774 chromosomes in the general population by the Genome Aggregation Database (gnomAD). The available evidence is insufficient to determine the role of this variant in disease conclusively. Therefore, this variant is classified as a Variant of Uncertain Significance.

Quest Diagnostics Nichols Institute San Juan Capistrano
Classification: Uncertain significance. Last evaluated: 2022-11-17. Review status: criteria provided, single submitter. Criteria: Quest Diagnostics criteria. Collection method: clinical testing. Allele origin: unknown.
Comment: The frequency of this variant in the general population, 0.000018 (5/282774 chromosomes), is uninformative in assessment of its pathogenicity. In the published literature, the variant has been reported in a patient with peritoneal mesothelioma (PMID: 28034829 (2017)). Analysis of this variant using bioinformatics tools for the prediction of the effect of amino acid changes on protein structure and function yielded predictions that this variant is benign. Based on the available information, we are unable to determine the clinical significance of this variant.

Literature cited by the submitters: PubMed 38969833 (cited by Ambry Genetics); PubMed 28034829 (cited by Labcorp Genetics (formerly Invitae), Labcorp and Quest Diagnostics Nichols Institute San Juan Capistrano).